The following is an entry in ClinVar:

NM_006734.4(HIVEP2):c.6004T>G (p.Phe2002Val)

Gene: HIVEP2 (HIVEP zinc finger 2; minus strand). Cytogenetic location: 6q24.2.
Variant type: single nucleotide variant.
Coding change: c.6004T>G on transcript NM_006734.4 (MANE Select); coding-DNA position 6004, T replaced by G.
Protein change: p.Phe2002Val; replaces phenylalanine 2002 with valine.
Molecular consequence: missense variant.
Genome position (GRCh38, 1-based): chr6:142,760,284, A>C on the plus strand (T>G on the coding strand, the complement: HIVEP2 is on the minus strand). VCF-style: chr6-142760284-A-C. GRCh37 (hg19) VCF-style: chr6-143081421-A-C.
Other names: short protein forms F2002V.
Identifiers: ClinVar variation 2682267 (VCV002682267.4), dbSNP rs2482770222, ClinGen allele CA365888107.
Genomic context (GRCh38, chr6:142,760,284, plus strand): 5'-TACAACTAGGTATGTCCAATCTGTCTTTGTCTGGTTCTGAGTCCGTACTTTTGCTCTGGA[A>C]TAGCCTCTGGTATTCTGTCATCTGGGTATCTTCACATGAATCACTGGGTGTCATAAGCTG-3'
Protein context (NP_006725.3, residues 1992-2012): DTQMTEYQRL[Phe2002Val]QSKSTDSEPD

ClinVar aggregate classification (germline): Uncertain significance. Review status: criteria provided, multiple submitters, no conflicts (2 of 4 stars). 2 submissions from 2 submitters: Uncertain significance (2). Last evaluated 2023-11-24.

Submissions (2):

Women's Health and Genetics/Laboratory Corporation of America, LabCorp
Classification: Uncertain significance. Last evaluated: 2023-11-24. Review status: criteria provided, single submitter. Criteria: LabCorp Variant Classification Summary - May 2015. Collection method: clinical testing. Allele origin: germline.
Comment: Variant summary: HIVEP2 c.6004T>G (p.Phe2002Val) results in a non-conservative amino acid change in the encoded protein sequence. Three of five in-silico tools predict a benign effect of the variant on protein function. The variant was absent in 249386 control chromosomes (gnomAD). The available data on variant occurrences in the general population are insufficient to allow any conclusion about variant significance. To our knowledge, no occurrence of c.6004T>G in individuals affected with autosomal dominant Intellectual Disability and no experimental evidence demonstrating its impact on protein function have been reported. No submitters have cited clinical-significance assessments for this variant to ClinVar after 2014. Based on the evidence outlined above, the variant was classified as uncertain significance.

Labcorp Genetics (formerly Invitae), Labcorp
Classification: Uncertain significance. Last evaluated: 2023-07-28. Review status: criteria provided, single submitter. Criteria: Invitae Variant Classification Sherloc (09022015). Collection method: clinical testing. Allele origin: germline.
Comment: Advanced modeling of protein sequence and biophysical properties (such as structural, functional, and spatial information, amino acid conservation, physicochemical variation, residue mobility, and thermodynamic stability) performed at Invitae indicates that this missense variant is not expected to disrupt HIVEP2 protein function. In summary, the available evidence is currently insufficient to determine the role of this variant in disease. Therefore, it has been classified as a Variant of Uncertain Significance. This variant has not been reported in the literature in individuals affected with HIVEP2-related conditions. This variant is not present in population databases (gnomAD no frequency). This sequence change replaces phenylalanine, which is neutral and non-polar, with valine, which is neutral and non-polar, at codon 2002 of the HIVEP2 protein (p.Phe2002Val).